The following is an entry in ClinVar:

NM_004447.6(EPS8):c.1482T>C (p.Ser494=)

Gene: EPS8 (EGFR pathway substrate 8, signaling adaptor; minus strand). Cytogenetic location: 12p12.3.
Variant type: single nucleotide variant.
Coding change: c.1482T>C on transcript NM_004447.6 (MANE Select); coding-DNA position 1482, T replaced by C.
Protein change: p.Ser494=; no amino-acid change (serine 494 retained).
Molecular consequence: synonymous variant.
Genome position (GRCh38, 1-based): chr12:15,647,213, A>G on the plus strand (T>C on the coding strand, the complement: EPS8 is on the minus strand). VCF-style: chr12-15647213-A-G. GRCh37 (hg19) VCF-style: chr12-15800147-A-G.
Identifiers: ClinVar variation 517547 (VCV000517547.40), dbSNP rs75560906, ClinGen allele CA6467550.
Genomic context (GRCh38, chr12:15,647,213, plus strand): 5'-CTTAAAAGCAACAGCAGCTTCCCCTTGGTCCAGGTGGGATCCTCTTGTGTAAATGTTGCT[A>G]CTGAACGCATAGCCATCGGCTGGATGATACTCTGATACACTGGAATGCTGAAAGACAAAG-3'
Protein context (NP_004438.3, residues 484-504): EYHPADGYAF[Ser494=]SNIYTRGSHL

ClinVar aggregate classification (germline): Benign/Likely benign. Review status: criteria provided, multiple submitters, no conflicts (2 of 4 stars). 6 submissions from 6 submitters: Benign (4); Likely benign (1). 1 of the submissions does not count toward it. Last evaluated 2026-01-21.

Conditions:
EPS8-related disorder. Also called: EPS8-related condition.

Allele frequency attached by ClinVar (database versions not stated): 1000 Genomes Project 30x 0.00219; 1000 Genomes Project 0.00240; gnomAD 0.00488 and 0.00602; gnomAD exomes 0.00509 and 0.00581; TOPMed 0.00514; ESP Exome Variant Server 0.00523; ExAC 0.00566.
gnomAD v4.1: 9,291 of 1,613,874 alleles (0.58%); highest among the groups gnomAD compares: Non-Finnish European, 0.67%; 52 homozygotes.

Submissions (6):

Labcorp Genetics (formerly Invitae), Labcorp
Classification: Benign. Last evaluated: 2026-01-21. Review status: criteria provided, single submitter. Criteria: Invitae Variant Classification Sherloc (09022015). Collection method: clinical testing. Allele origin: germline.

CeGaT Center for Human Genetics Tuebingen
Classification: Likely benign. Last evaluated: 2025-06-01. Review status: criteria provided, single submitter. Criteria: CeGaT Center For Human Genetics Tuebingen Variant Classification Criteria Version 2. Collection method: clinical testing. Allele origin: germline. Affected: yes. Observed: 2 variant alleles.
Comment: EPS8: BP4, BP7, BS2

GeneDx
Classification: Benign. Last evaluated: 2018-06-05. Review status: criteria provided, single submitter. Criteria: GeneDx Variant Classification (06012015). Collection method: clinical testing. Allele origin: germline. Affected: yes.
Comment: This variant is considered likely benign or benign based on one or more of the following criteria: it is a conservative change, it occurs at a poorly conserved position in the protein, it is predicted to be benign by multiple in silico algorithms, and/or has population frequency not consistent with disease.

Laboratory for Molecular Medicine, Mass General Brigham Personalized Medicine
Classification: Benign. Last evaluated: 2017-08-23. Review status: criteria provided, single submitter. Criteria: LMM Criteria. Collection method: clinical testing. Allele origin: germline. Observed: 2 variant alleles.
Comment: p.Ser494Ser in exon 15 of EPS8: This variant is not expected to have clinical si gnificance because it does not alter an amino acid residue, is not located withi n the splice consensus sequence, and has been identified in 1.12% (74/6614) of F innish chromosomes by the Exome Aggregation Consortium (ExAC; dbSNP rs75560906).

Breakthrough Genomics
Classification: Benign. Review status: criteria provided, single submitter. Criteria: ACMG Guidelines, 2015. Collection method: not provided. Allele origin: germline. Inheritance: Autosomal recessive inheritance. Affected: yes.

PreventionGenetics, part of Exact Sciences
Classification: Benign for EPS8-related condition. Last evaluated: 2019-07-09. Review status: no assertion criteria provided. Collection method: clinical testing. Allele origin: germline. Not counted in ClinVar's aggregate classification.
Comment: This variant is classified as benign based on ACMG/AMP sequence variant interpretation guidelines (Richards et al. 2015 PMID: 25741868, with internal and published modifications).